The following is an entry in ClinVar:

ClinVar aggregate classification (germline): Benign. Review status: criteria provided, multiple submitters, no conflicts (2 of 4 stars). 6 submissions from 5 submitters: Benign (2). 4 of the submissions do not count toward it. Last evaluated 2026-09-01.

Conditions:
Tuberous sclerosis syndrome (TSC). Also called: Tuberous sclerosis; Tuberous Sclerosis Complex. Identifiers: Orphanet 805, MedGen C0041341, MONDO:0001734.

Allele frequency attached by ClinVar (database versions not stated): 1000 Genomes Project 30x 0.00047; 1000 Genomes Project 0.00060; gnomAD 0.00228 and 0.00250; ExAC 0.00238; gnomAD exomes 0.00373 and 0.00236; TOPMed 0.00221.
gnomAD v4.1: 5,734 of 1,606,576 alleles (0.36%); highest among the groups gnomAD compares: Non-Finnish European, 0.45%; 13 homozygotes.

Submissions (6):

CeGaT Center for Human Genetics Tuebingen
Classification: Benign. Last evaluated: 2026-09-01. Review status: criteria provided, single submitter. Criteria: CeGaT Center For Human Genetics Tuebingen Variant Classification Criteria Version 2. Collection method: clinical testing. Allele origin: germline. Affected: yes. Observed: 89 variant alleles.
Comment: TSC1: BS1, BS2

Breakthrough Genomics
Classification: Benign. Review status: criteria provided, single submitter. Criteria: ACMG Guidelines, 2015. Collection method: not provided. Allele origin: germline. Inheritance: Autosomal dominant inheritance. Affected: yes.

ITMI
No classification provided. Condition: AllHighlyPenetrant. Last evaluated: 2013-09-19. Review status: no classification provided. Collection method: reference population. Allele origin: germline. Not counted in ClinVar's aggregate classification.
Comment: Please see associated publication for description of ethnicities

Biesecker Lab/Clinical Genomics Section, National Institutes of Health
Classification: Benign. Last evaluated: 2012-07-13. Review status: no assertion criteria provided. Collection method: research. Allele origin: germline. Affected: no. Observed: 4 variant alleles. Study: ClinSeq. Not counted in ClinVar's aggregate classification.
ClinVar note: Converted during submission from no known pathogenicity to Benign.

Tuberous sclerosis database (TSC1)
No classification provided. Condition: TSC. Review status: no classification provided. Criteria: Tuberous Sclerosis Database Assertion Criteria 2015. Collection method: curation. Allele origin: germline. Affected: yes. Not counted in ClinVar's aggregate classification.

Tuberous sclerosis database (TSC1)
No classification provided. Condition: TSC. Review status: flagged submission. Criteria: Tuberous Sclerosis Database Assertion Criteria 2015. Collection method: curation. Allele origin: germline. Affected: yes. Not counted in ClinVar's aggregate classification.
ClinVar note: Reason: This record appears to be redundant with a more recent record from the same submitter.
ClinVar note: Notes: SCV000065782 appears to be redundant with SCV000083183.

Literature cited by the submitters: PubMed 24728327 (cited by ITMI).

NM_000368.5(TSC1):c.1263+88A>G

Gene: TSC1 (TSC complex subunit 1; minus strand). Cytogenetic location: 9q34.13.
Variant type: single nucleotide variant.
Coding change: c.1263+88A>G on transcript NM_000368.5 (MANE Select); 88 bases into the intron after coding-DNA position 1263, A replaced by G.
Molecular consequence: intron variant.
Genome position (GRCh38, 1-based): chr9:132,910,483, T>C on the plus strand (A>G on the coding strand, the complement: TSC1 is on the minus strand). VCF-style: chr9-132910483-T-C. GRCh37 (hg19) VCF-style: chr9-135785870-T-C.
Other names: c.900+88A>G (NM_001362177.2); c.1110+88A>G (NM_001162427.2); c.1260+88A>G (NM_001162426.2).
Identifiers: ClinVar variation 41689 (VCV000041689.36), dbSNP rs118203507, ClinGen allele CA004551.